The following is an entry in ClinVar:

NM_004468.5(FHL3):c.789C>T (p.Phe263=)

Gene: FHL3 (four and a half LIM domains 3; minus strand). Cytogenetic location: 1p34.3.
Variant type: single nucleotide variant.
Coding change: c.789C>T on transcript NM_004468.5 (MANE Select); coding-DNA position 789, C replaced by T.
Protein change: p.Phe263=; no amino-acid change (phenylalanine 263 retained).
Molecular consequence: synonymous variant.
Genome position (GRCh38, 1-based): chr1:37,997,459, G>A on the plus strand (C>T on the coding strand, the complement: FHL3 is on the minus strand). VCF-style: chr1-37997459-G-A. GRCh37 (hg19) VCF-style: chr1-38463131-G-A.
Other names: c.465C>T, p.Phe155= (NM_001243878.2).
Identifiers: ClinVar variation 2638683 (VCV002638683.24), dbSNP rs777100071, ClinGen allele CA776981.
Genomic context (GRCh38, chr1:37,997,459, plus strand): 5'-CCTGGCTTAGGGCCCTGCCTGGCTACAGCCCTGGCAGAGCACTTGGTCTCCATCCGGTAC[G>A]AAGCCCTGGCCCACCAGGGAGGTAGAGCAGCGGGCGCAGGAGAAGCAGTTGTGGTGCCAG-3'
Protein context (NP_004459.2, residues 253-273): RCSTSLVGQG[Phe263=]VPDGDQVLCQ

ClinVar aggregate classification (germline): Likely benign (1 of 4 stars; one submission).

Allele frequency attached by ClinVar (database versions not stated): ExAC 0.00002; gnomAD exomes 0.00001; gnomAD 0.00001.
gnomAD v4.1: 17 of 1,613,944 alleles (0.0011%); highest among the groups gnomAD compares: South Asian, 0.0044%; no homozygotes.

Submission:

CeGaT Center for Human Genetics Tuebingen
Classification: Likely benign. Last evaluated: 2022-09-01. Review status: criteria provided, single submitter. Criteria: CeGaT Center For Human Genetics Tuebingen Variant Classification Criteria Version 2. Collection method: clinical testing. Allele origin: germline. Affected: yes. Observed: 1 variant allele.
Comment: FHL3: BP4, BP7